The following is an entry in ClinVar:

ClinVar aggregate classification (germline): Pathogenic (0 of 4 stars; one submission).

Conditions:
Autosomal recessive nonsyndromic hearing loss 12. Also called: DEAFNESS, AUTOSOMAL RECESSIVE 12. Identifiers: Orphanet 90636, MedGen C1832394, MONDO:0011067, OMIM 601386.

Submission:

Wonkam Laboratory, Johns Hopkins University
Classification: Pathogenic for Autosomal recessive nonsyndromic hearing loss 12. Last evaluated: 2024-01-06. Review status: no assertion criteria provided. Collection method: research. Allele origin: maternal. Inheritance: Autosomal recessive inheritance. Affected: yes. Observed: 2 variant alleles.
Comment: The variant NM_022124.6 c.4445dup is a null variant (frameshift) predicted to lead to the early termination of protein translation p.(Arg1483GlnfsTer19) (PVS1), absent from controls including database like gnomAD v4.1.0 (PM2), Cosegregation with disease in multiple affected family members in a gene definitively known to cause hearing loss (PP1). The variant was identified as compound heterozytoe with a known pathogenic variant NM_022124.6 c.4783G>A in only affected individuals

NM_022124.6(CDH23):c.4446dup (p.Arg1483fs)

Gene: CDH23 (cadherin related 23; plus strand). Cytogenetic location: 10q22.1.
Variant type: Duplication.
Coding change: c.4446dup on transcript NM_022124.6 (MANE Select); coding-DNA position 4446, one base duplicated (C; older notation c.4446dupC).
Protein change: p.Arg1483fs; shifts the reading frame from arginine 1483.
Molecular consequence: frameshift variant.
Genome position (GRCh38, 1-based): chr10:71,739,730, C duplicated; the last of 2 consecutive C bases (chr10:71,739,729-71,739,730); duplicating either gives the same sequence. VCF-style (leftmost placement, unchanged base first): chr10-71739728-G-GC. GRCh37 (hg19) VCF-style: chr10-73499485-G-GC.
Other names: c.4445dup (NM_022124.6); short protein forms R1483fs.
Identifiers: ClinVar variation 3383950 (VCV003383950.1).